The following is an entry in ClinVar:

NM_001165963.4(SCN1A):c.5209_5210del (p.Lys1737fs)

Genes: SCN1A (sodium voltage-gated channel alpha subunit 1; minus strand), LOC102724058 (uncharacterized LOC102724058; plus strand). Cytogenetic location: 2q24.3.
Variant type: Deletion.
Coding change: c.5209_5210del on transcript NM_001165963.4 (MANE Select); coding-DNA positions 5209 to 5210, 2 bases deleted (AA; older notation c.5209_5210delAA).
Protein change: p.Lys1737fs; shifts the reading frame from lysine 1737.
Molecular consequence: frameshift variant. On other transcripts: non-coding transcript variant (1).
Genome position (GRCh38, 1-based): chr2:165,992,065-165,992,066, TT deleted on the plus strand (AA on the coding strand, the reverse complement: SCN1A is on the minus strand). VCF-style (leftmost placement, unchanged base first): chr2-165992064-CTT-C. GRCh37 (hg19) VCF-style: chr2-166848574-CTT-C.
Other names: c.5125_5126del, p.Lys1709fs (NM_001165964.3, NM_001353957.2, NM_001353958.2); c.5209_5210del, p.Lys1737fs (NM_001202435.3, NM_001353948.2); c.5176_5177del, p.Lys1726fs (NM_001353949.2, NM_001353950.2, NM_001353951.2 and 2 more transcripts); c.5173_5174del, p.Lys1725fs (NM_001353954.2, NM_001353955.2); c.5122_5123del, p.Lys1708fs (NM_001353960.2); c.2767_2768del, p.Lys923fs (NM_001353961.2); short protein forms K1708fs, K1709fs, K1737fs, K1725fs, K1726fs, K923fs.
Identifiers: ClinVar variation 1451588 (VCV001451588.7), dbSNP rs2105431024, ClinGen allele CA2573133695.
Genomic context (GRCh38, chr2:165,992,064, plus strand): 5'-CCCACAGTCTCCCTTAACTGAGCTTCCAGGGTTAACTTTATTAGGGTCACAGTCGGGTGG[CTT>C]ACTGTTGAGAATGGGTGCTAGCAATCCATCCCAGCCAGCAGAGGTTGTAATTTGGAATAG-3'

ClinVar aggregate classification (germline): Pathogenic (1 of 4 stars; one submission).

Conditions:
Early-infantile DEE. Also called: Early infantile epileptic encephalopathy with suppression bursts; Early infantile epileptic encephalopathy; Ohtahara syndrome. Identifiers: Orphanet 1934, MedGen C0393706, MONDO:0800491.

Submission:

Labcorp Genetics (formerly Invitae), Labcorp
Classification: Pathogenic for Early-infantile DEE. Last evaluated: 2022-07-18. Review status: criteria provided, single submitter. Criteria: Invitae Variant Classification Sherloc (09022015). Collection method: clinical testing. Allele origin: germline.
Comment: For these reasons, this variant has been classified as Pathogenic. This variant disrupts a region of the SCN1A protein in which other variant(s) (p.Arg1924Leufs*8) have been determined to be pathogenic (PMID: 27465585). This suggests that this is a clinically significant region of the protein, and that variants that disrupt it are likely to be disease-causing. ClinVar contains an entry for this variant (Variation ID: 1451588). This variant has not been reported in the literature in individuals affected with SCN1A-related conditions. This variant is not present in population databases (gnomAD no frequency). This sequence change creates a premature translational stop signal (p.Lys1737Alafs*5) in the SCN1A gene. While this is not anticipated to result in nonsense mediated decay, it is expected to disrupt the last 273 amino acid(s) of the SCN1A protein.

Literature cited by the submitters: PubMed 27465585.